The following is an entry in ClinVar:

ClinVar aggregate classification (germline): Pathogenic. Review status: criteria provided, multiple submitters, no conflicts (2 of 4 stars). 2 submissions from 2 submitters: Pathogenic (2). Last evaluated 2023-04-22.

Conditions:
Developmental delay with variable intellectual impairment and behavioral abnormalities. Identifiers: MedGen C5193092, MONDO:0032745, OMIM 618430.

Submissions (2):

GeneDx
Classification: Pathogenic. Last evaluated: 2023-04-22. Review status: criteria provided, single submitter. Criteria: GeneDx Variant Classification Process June 2021. Collection method: clinical testing. Allele origin: germline. Affected: yes.
Comment: Nonsense variant predicted to result in protein truncation or nonsense mediated decay in a gene for which loss of function is a known mechanism of disease; Not observed at significant frequency in large population cohorts (gnomAD); This variant is associated with the following publications: (PMID: 30819258)

3billion
Classification: Pathogenic for Developmental delay with variable intellectual impairment and behavioral abnormalities. Last evaluated: 2022-01-03. Review status: criteria provided, single submitter. Criteria: ACMG Guidelines, 2015. Collection method: clinical testing. Allele origin: germline. Affected: yes. Observed: 1 heterozygote.
Comment: Stop-gained (nonsense): predicted to result in a loss or disruption of normal protein function through nonsense-mediated decay (NMD) or protein truncation. Multiple pathogenic variants are reported downstream of the variant (PVS1_VS). It is not observed in the gnomAD v2.1.1 dataset (PM2_M). The variant has been reported to be associated with TCF20 related disorder (PMID:30819258). Therefore, this variant is classified as pathogenic according to the recommendation of ACMG/AMP guideline.

Literature cited by the submitters: PubMed 30819258 (cited by 3billion).

NM_001378418.1(TCF20):c.2260C>T (p.Gln754Ter)

Gene: TCF20 (transcription factor 20; minus strand). Cytogenetic location: 22q13.2.
Variant type: single nucleotide variant.
Coding change: c.2260C>T on transcript NM_001378418.1 (MANE Select); coding-DNA position 2260, C replaced by T.
Protein change: p.Gln754Ter; replaces glutamine 754 with a stop codon.
Molecular consequence: nonsense.
Genome position (GRCh38, 1-based): chr22:42,213,046, G>A on the plus strand (C>T on the coding strand, the complement: TCF20 is on the minus strand). VCF-style: chr22-42213046-G-A. GRCh37 (hg19) VCF-style: chr22-42609052-G-A.
Other names: c.2260C>T, p.Gln754Ter (NM_005650.4, NM_181492.3); c.2260C>T (NM_005650.1); short protein forms Q754*.
Identifiers: ClinVar variation 1333553 (VCV001333553.2), dbSNP rs2147212542, ClinGen allele CA411789049.